The following is an entry in ClinVar:

NM_001290043.2(TAP2):c.449C>T (p.Pro150Leu)

Gene: TAP2 (transporter 2, ATP binding cassette subfamily B member; minus strand). Cytogenetic location: 6p21.32.
Variant type: single nucleotide variant.
Coding change: c.449C>T on transcript NM_001290043.2 (MANE Select); coding-DNA position 449, C replaced by T.
Protein change: p.Pro150Leu; replaces proline 150 with leucine.
Molecular consequence: missense variant.
Genome position (GRCh38, 1-based): chr6:32,837,785, G>A on the plus strand (C>T on the coding strand, the complement: TAP2 is on the minus strand). VCF-style: chr6-32837785-G-A. GRCh37 (hg19) VCF-style: chr6-32805562-G-A.
Other names: c.449C>T, p.Pro150Leu (NM_000544.3, NM_018833.3); short protein forms P150L.
Identifiers: ClinVar variation 1391906 (VCV001391906.8), dbSNP rs751087452, ClinGen allele CA363586316.

ClinVar aggregate classification (germline): Uncertain significance (1 of 4 stars; one submission).

Conditions:
MHC class I deficiency. Identifiers: Orphanet 34592, MedGen C6024714, MONDO:0011476.

Allele frequency attached by ClinVar (database versions not stated): TOPMed 0.00001; gnomAD 0.00003.
gnomAD v4.1: 41 of 1,614,070 alleles (0.0025%); highest among the groups gnomAD compares: Non-Finnish European, 0.0031%; no homozygotes.

Submission:

Labcorp Genetics (formerly Invitae), Labcorp
Classification: Uncertain significance for MHC class I deficiency 1. Last evaluated: 2022-08-16. Review status: criteria provided, single submitter. Criteria: Invitae Variant Classification Sherloc (09022015). Collection method: clinical testing. Allele origin: germline.
Comment: This sequence change replaces proline, which is neutral and non-polar, with leucine, which is neutral and non-polar, at codon 150 of the TAP2 protein (p.Pro150Leu). In summary, the available evidence is currently insufficient to determine the role of this variant in disease. Therefore, it has been classified as a Variant of Uncertain Significance. Algorithms developed to predict the effect of missense changes on protein structure and function are either unavailable or do not agree on the potential impact of this missense change (SIFT: "Deleterious"; PolyPhen-2: "Not Available"; Align-GVGD: "Class C0"). ClinVar contains an entry for this variant (Variation ID: 1391906). This variant has not been reported in the literature in individuals affected with TAP2-related conditions. This variant is present in population databases (no rsID available, gnomAD 0.002%).